The following is an entry in ClinVar:

NC_000023.10:g.(?_31676087)_(31747885_?)del

Gene: DMD (dystrophin; minus strand). Cytogenetic location: Xp21.1.
Variant type: Deletion.
Identifiers: ClinVar variation 1458286 (VCV001458286.8).

ClinVar aggregate classification (germline): Pathogenic (1 of 4 stars; one submission).

Conditions:
Duchenne muscular dystrophy (DMD). Also called: Duchenne Muscular Dystrophy (DMD); MUSCULAR DYSTROPHY, PSEUDOHYPERTROPHIC PROGRESSIVE, DUCHENNE TYPE. Identifiers: Orphanet 98896, MedGen C0013264, MONDO:0010679, OMIM 310200.

Submission:

Labcorp Genetics (formerly Invitae), Labcorp
Classification: Pathogenic for Duchenne muscular dystrophy. Last evaluated: 2023-08-17. Review status: criteria provided, single submitter. Criteria: Invitae Variant Classification Sherloc (09022015). Collection method: clinical testing. Allele origin: germline.
Comment: For these reasons, this variant has been classified as Pathogenic. This variant is a gross deletion of the genomic region encompassing exon(s) 52-54 of the DMD gene. This deletion is out-of-frame, and is expected to create a premature termination codon and result in an absent or disrupted protein product. Loss-of-function variants in DMD are known to be pathogenic (PMID: 16770791, 25007885). A similar copy number variant has been observed in individual(s) with Duchenne or Becker muscular dystrophy (PMID: 11409318, 24928015, 25482253). In at least one individual the variant was observed to be de novo.

Literature cited by the submitters: PubMed 16770791; PubMed 25007885; PubMed 11409318; PubMed 24928015; PubMed 25482253.